The following is an entry in ClinVar:

NM_001903.5(CTNNA1):c.1540G>A (p.Val514Ile)

Gene: CTNNA1 (catenin alpha 1; plus strand). Cytogenetic location: 5q31.2.
Variant type: single nucleotide variant.
Coding change: c.1540G>A on transcript NM_001903.5 (MANE Select); coding-DNA position 1540, G replaced by A.
Protein change: p.Val514Ile; replaces valine 514 with isoleucine.
Molecular consequence: missense variant.
Genome position (GRCh38, 1-based): chr5:138,917,892, G>A. VCF-style: chr5-138917892-G-A. GRCh37 (hg19) VCF-style: chr5-138253581-G-A.
Other names: c.1540G>A, p.Val514Ile (NM_001290307.3, NM_001323982.2, NM_001323983.1 and 2 more transcripts); c.1231G>A, p.Val411Ile (NM_001290309.3); c.1171G>A, p.Val391Ile (NM_001290310.3); c.430G>A, p.Val144Ile (NM_001290312.1, NM_001323987.1, NM_001323988.1 and 17 more transcripts); c.1447G>A, p.Val483Ile (NM_001323986.2); c.91G>A, p.Val31Ile (NM_001324006.1, NM_001324007.1, NM_001324008.1 and 2 more transcripts); c.337G>A, p.Val113Ile (NM_001324011.1); c.187G>A, p.Val63Ile (NM_001324012.1, NM_001324013.1); short protein forms V411I, V514I, V113I, V483I, V63I, V144I, V31I, V391I.
Identifiers: ClinVar variation 940896 (VCV000940896.12), dbSNP rs1762137635, ClinGen allele CA361137417.

ClinVar aggregate classification (germline): Uncertain significance. Review status: criteria provided, multiple submitters, no conflicts (2 of 4 stars). 3 submissions from 3 submitters: Uncertain significance (3). Last evaluated 2025-07-13.

Conditions:
Patterned macular dystrophy 2. Identifiers: Orphanet 99001, MedGen C1837029, MONDO:0012162, OMIM 608970.
Hereditary cancer-predisposing syndrome. Also called: Hereditary neoplastic syndrome; Neoplastic Syndromes, Hereditary; Tumor predisposition; Hereditary Cancer Syndrome. Identifiers: Orphanet 140162, MedGen C0027672, MeSH D009386, MONDO:0015356.

Submissions (3):

Ambry Genetics
Classification: Uncertain significance for Hereditary cancer-predisposing syndrome. Last evaluated: 2025-07-13. Review status: criteria provided, single submitter. Criteria: Ambry Variant Classification Scheme 2023. Collection method: clinical testing. Allele origin: germline.
Comment: The p.V514I variant (also known as c.1540G>A), located in coding exon 10 of the CTNNA1 gene, results from a G to A substitution at nucleotide position 1540. The valine at codon 514 is replaced by isoleucine, an amino acid with highly similar properties. This amino acid position is conserved. In addition, this alteration is predicted to be tolerated by in silico analysis. Since supporting evidence is limited at this time, the clinical significance of this alteration remains unclear.

Baylor Genetics
Classification: Uncertain significance for Patterned macular dystrophy 2. Last evaluated: 2024-01-02. Review status: criteria provided, single submitter. Criteria: ACMG Guidelines, 2015. Collection method: clinical testing. Allele origin: unknown.

Labcorp Genetics (formerly Invitae), Labcorp
Classification: Uncertain significance. Last evaluated: 2021-09-08. Review status: criteria provided, single submitter. Criteria: Invitae Variant Classification Sherloc (09022015). Collection method: clinical testing. Allele origin: germline.
Comment: In summary, the available evidence is currently insufficient to determine the role of this variant in disease. Therefore, it has been classified as a Variant of Uncertain Significance. Algorithms developed to predict the effect of missense changes on protein structure and function are either unavailable or do not agree on the potential impact of this missense change (SIFT: "Deleterious"; PolyPhen-2: "Possibly Damaging"; Align-GVGD: "Class C0"). This variant has not been reported in the literature in individuals affected with CTNNA1-related conditions. This variant is not present in population databases (ExAC no frequency). This sequence change replaces valine with isoleucine at codon 514 of the CTNNA1 protein (p.Val514Ile). The valine residue is highly conserved and there is a small physicochemical difference between valine and isoleucine.